The following is an entry in ClinVar:

ClinVar aggregate classification (germline): Uncertain significance (1 of 4 stars; one submission).

Allele frequency attached by ClinVar (database versions not stated): ExAC 0.00003; gnomAD 0.00003; TOPMed 0.00003.
gnomAD v4.1: 66 of 1,592,906 alleles (0.0041%); highest among the groups gnomAD compares: Non-Finnish European, 0.0054%; no homozygotes.

Submission:

Labcorp Genetics (formerly Invitae), Labcorp
Classification: Uncertain significance. Last evaluated: 2025-06-14. Review status: criteria provided, single submitter. Criteria: Invitae Variant Classification Sherloc (09022015). Collection method: clinical testing. Allele origin: germline.
Comment: This sequence change replaces glycine, which is neutral and non-polar, with glutamic acid, which is acidic and polar, at codon 1030 of the DHX37 protein (p.Gly1030Glu). This variant is present in population databases (rs754141645, gnomAD 0.006%). This missense change has been observed in individual(s) with testicular regression syndrome (PMID: 31337883). ClinVar contains an entry for this variant (Variation ID: 1917940). Invitae Evidence Modeling of protein sequence and biophysical properties (such as structural, functional, and spatial information, amino acid conservation, physicochemical variation, residue mobility, and thermodynamic stability) indicates that this missense variant is not expected to disrupt DHX37 protein function with a negative predictive value of 80%. In summary, the available evidence is currently insufficient to determine the role of this variant in disease. Therefore, it has been classified as a Variant of Uncertain Significance.

Literature cited by the submitters: PubMed 31337883.

NM_032656.4(DHX37):c.3089G>A (p.Gly1030Glu)

Gene: DHX37 (DEAH-box helicase 37; minus strand). Cytogenetic location: 12q24.31.
Variant type: single nucleotide variant.
Coding change: c.3089G>A on transcript NM_032656.4 (MANE Select); coding-DNA position 3089, G replaced by A.
Protein change: p.Gly1030Glu; replaces glycine 1030 with glutamic acid.
Molecular consequence: missense variant.
Genome position (GRCh38, 1-based): chr12:124,950,445, C>T on the plus strand (G>A on the coding strand, the complement: DHX37 is on the minus strand). VCF-style: chr12-124950445-C-T. GRCh37 (hg19) VCF-style: chr12-125434991-C-T.
Other names: short protein forms G1030E.
Identifiers: ClinVar variation 1917940 (VCV001917940.5), dbSNP rs754141645, ClinGen allele CA6871370.